The following is an entry in ClinVar:

ClinVar aggregate classification (germline): Conflicting classifications of pathogenicity. Review status: criteria provided, conflicting classifications (1 of 4 stars). 8 submissions from 8 submitters: Uncertain significance (1); Benign (1); Likely benign (5). 1 of the submissions does not count toward it. Last evaluated 2025-12-26.

Conditions:
RAI1-related disorder. Also called: RAI1-related condition.
Inborn genetic diseases. Identifiers: MedGen C0950123, MeSH D030342.

Allele frequency attached by ClinVar (database versions not stated): ExAC 0.00047; TOPMed 0.00050; gnomAD exomes 0.00051 and 0.00079; gnomAD 0.00056 and 0.00060; ESP Exome Variant Server 0.00092.
gnomAD v4.1: 1,219 of 1,613,726 alleles (0.076%); highest among the groups gnomAD compares: Non-Finnish European, 0.098%; no homozygotes.

Submissions (8):

Labcorp Genetics (formerly Invitae), Labcorp
Classification: Likely benign. Last evaluated: 2025-12-26. Review status: criteria provided, single submitter. Criteria: Invitae Variant Classification Sherloc (09022015). Collection method: clinical testing. Allele origin: germline.

CeGaT Center for Human Genetics Tuebingen
Classification: Likely benign. Last evaluated: 2025-07-01. Review status: criteria provided, single submitter. Criteria: CeGaT Center For Human Genetics Tuebingen Variant Classification Criteria Version 2. Collection method: clinical testing. Allele origin: germline. Affected: yes. Observed: 4 variant alleles.
Comment: RAI1: BS1

Blueprint Genetics
Classification: Likely benign. Last evaluated: 2024-11-27. Review status: criteria provided, single submitter. Criteria: ACMG Guidelines, 2015. Collection method: clinical testing. Allele origin: germline.

Ambry Genetics
Classification: Likely benign for Inborn genetic diseases. Last evaluated: 2022-05-04. Review status: criteria provided, single submitter. Criteria: Ambry Variant Classification Scheme 2023. Collection method: clinical testing. Allele origin: germline.

GeneDx
Classification: Benign. Last evaluated: 2019-09-16. Review status: criteria provided, single submitter. Criteria: GeneDx Variant Classification Process June 2021. Collection method: clinical testing. Allele origin: germline. Affected: yes.

Genetic Services Laboratory, University of Chicago
Classification: Likely benign. Last evaluated: 2016-01-08. Review status: criteria provided, single submitter. Criteria: ACMG Guidelines, 2015. Collection method: clinical testing. Allele origin: germline. Affected: no.

Eurofins Ntd Llc (ga)
Classification: Uncertain significance. Last evaluated: 2015-01-04. Review status: criteria provided, single submitter. Criteria: EGL Classification Definitions 2015. Collection method: clinical testing. Allele origin: germline. Observed: 1 variant allele, 1 heterozygote.

PreventionGenetics, part of Exact Sciences
Classification: Likely benign for RAI1-related condition. Last evaluated: 2020-01-20. Review status: no assertion criteria provided. Collection method: clinical testing. Allele origin: germline. Not counted in ClinVar's aggregate classification.
Comment: This variant is classified as likely benign based on ACMG/AMP sequence variant interpretation guidelines (Richards et al. 2015 PMID: 25741868, with internal and published modifications).

NM_030665.4(RAI1):c.4676G>A (p.Arg1559Gln)

Gene: RAI1 (retinoic acid induced 1; plus strand). Cytogenetic location: 17p11.2.
Variant type: single nucleotide variant.
Coding change: c.4676G>A on transcript NM_030665.4 (MANE Select); coding-DNA position 4676, G replaced by A.
Protein change: p.Arg1559Gln; replaces arginine 1559 with glutamine.
Molecular consequence: missense variant.
Genome position (GRCh38, 1-based): chr17:17,797,624, G>A. VCF-style: chr17-17797624-G-A. GRCh37 (hg19) VCF-style: chr17-17700938-G-A.
Other names: short protein forms R1559Q.
Identifiers: ClinVar variation 196533 (VCV000196533.42), dbSNP rs141317462, ClinGen allele CA209550.